The following is an entry in ClinVar:

ClinVar aggregate classification (germline): Uncertain significance (1 of 4 stars; one submission).

Submission:

Ambry Genetics
Classification: Uncertain significance. Last evaluated: 2025-09-27. Review status: criteria provided, single submitter. Criteria: Ambry Variant Classification Scheme 2023. Collection method: clinical testing. Allele origin: germline.
Comment: The p.G141S variant (also known as c.421G>A), located in coding exon 1 of the WNK2 gene, results from a G to A substitution at nucleotide position 421. The glycine at codon 141 is replaced by serine, an amino acid with similar properties. This amino acid position is conserved. In addition, this alteration is predicted to be tolerated by in silico analysis. Based on the available evidence, the clinical significance of this variant remains unclear.

NM_006648.4(WNK2):c.421G>A (p.Gly141Ser)

Gene: WNK2 (WNK lysine deficient protein kinase 2; plus strand). Cytogenetic location: 9q22.31.
Variant type: single nucleotide variant.
Coding change: c.421G>A on transcript NM_006648.4 (MANE Select); coding-DNA position 421, G replaced by A.
Protein change: p.Gly141Ser; replaces glycine 141 with serine.
Molecular consequence: missense variant.
Genome position (GRCh38, 1-based): chr9:93,185,350, G>A. VCF-style: chr9-93185350-G-A. GRCh37 (hg19) VCF-style: chr9-95947632-G-A.
Other names: c.421G>A, p.Gly141Ser (NM_001282394.3); short protein forms G141S.
Identifiers: ClinVar variation 4605200 (VCV004605200.1).
Genomic context (GRCh38, chr9:93,185,350, plus strand): 5'-ACGCAGGAGCCCGGCCCGGACCCCATCGCAGCCGCTGTCGAAACCGCGCCTGCCCCCGAC[G>A]GCGGCCCCAGGGAGGAGGCGGCGGCGACCGTGAGGAAGGAGGATGAGGGGGCGGCCGAGG-3'
Protein context (NP_006639.3, residues 131-151): AAVETAPAPD[Gly141Ser]GPREEAAATV